The following is an entry in ClinVar:

NM_000271.5(NPC1):c.3310G>T (p.Val1104Leu)

Gene: NPC1 (NPC intracellular cholesterol transporter 1; minus strand). Cytogenetic location: 18q11.2.
Variant type: single nucleotide variant.
Coding change: c.3310G>T on transcript NM_000271.5 (MANE Select); coding-DNA position 3310, G replaced by T.
Protein change: p.Val1104Leu; replaces valine 1104 with leucine.
Molecular consequence: missense variant.
Genome position (GRCh38, 1-based): chr18:23,535,636, C>A on the plus strand (G>T on the coding strand, the complement: NPC1 is on the minus strand). VCF-style: chr18-23535636-C-A. GRCh37 (hg19) VCF-style: chr18-21115600-C-A.
Other names: short protein forms V1104L.
Identifiers: ClinVar variation 3602308 (VCV003602308.1).

ClinVar aggregate classification (germline): Uncertain significance (1 of 4 stars; one submission).

Submission:

GeneDx
Classification: Uncertain significance. Last evaluated: 2024-08-01. Review status: criteria provided, single submitter. Criteria: GeneDx Variant Classification Process June 2021. Collection method: clinical testing. Allele origin: germline. Affected: yes.
Comment: Not observed at significant frequency in large population cohorts (gnomAD); In silico analysis indicates that this missense variant does not alter protein structure/function; Has not been previously published as pathogenic or benign to our knowledge